The following is an entry in ClinVar:

ClinVar aggregate classification (germline): Likely benign (1 of 4 stars; one submission).

Allele frequency attached by ClinVar (database versions not stated): gnomAD 0.00058; TOPMed 0.00063; ESP Exome Variant Server 0.00069; gnomAD exomes 0.00082; ExAC 0.00144; 1000 Genomes Project 30x 0.00234; 1000 Genomes Project 0.00240.
gnomAD v4.1: 1,335 of 1,612,048 alleles (0.083%); highest among the groups gnomAD compares: Middle Eastern, 0.95%; 15 homozygotes.

Submission:

CeGaT Center for Human Genetics Tuebingen
Classification: Likely benign. Last evaluated: 2026-09-01. Review status: criteria provided, single submitter. Criteria: CeGaT Center For Human Genetics Tuebingen Variant Classification Criteria Version 2. Collection method: clinical testing. Allele origin: germline. Affected: yes. Observed: 6 variant alleles.
Comment: IQSEC1: BS2

NM_001134382.3(IQSEC1):c.1286G>A (p.Arg429Lys)

Gene: IQSEC1 (IQ motif and Sec7 domain ArfGEF 1; minus strand). Cytogenetic location: 3p25.2.
Variant type: single nucleotide variant.
Coding change: c.1286G>A on transcript NM_001134382.3 (MANE Select); coding-DNA position 1286, G replaced by A.
Protein change: p.Arg429Lys; replaces arginine 429 with lysine.
Molecular consequence: missense variant.
Genome position (GRCh38, 1-based): chr3:12,935,730, C>T on the plus strand (G>A on the coding strand, the complement: IQSEC1 is on the minus strand). VCF-style: chr3-12935730-C-T. GRCh37 (hg19) VCF-style: chr3-12977230-C-T.
Other names: c.962G>A, p.Arg321Lys (NM_001330619.3); c.1610G>A, p.Arg537Lys (NM_001376938.2); c.1328G>A, p.Arg443Lys (NM_014869.8); short protein forms R321K, R429K, R443K, R537K.
Identifiers: ClinVar variation 2653557 (VCV002653557.24), dbSNP rs144790333, ClinGen allele CA2262299.